The following is an entry in ClinVar:

ClinVar aggregate classification (germline): Uncertain significance (1 of 4 stars; one submission).

Conditions:
Autoimmune lymphoproliferative syndrome, type III caused by mutation in PRKCD. Identifiers: Orphanet 3261, Orphanet 664711, MedGen C3809928, MONDO:8000024, OMIM 615559.

gnomAD v4.1: 1 of 1,614,070 alleles (0.000062%); highest among the groups gnomAD compares: South Asian, 0.0011%; no homozygotes.

Submission:

Labcorp Genetics (formerly Invitae), Labcorp
Classification: Uncertain significance for Autoimmune lymphoproliferative syndrome, type III caused by mutation in PRKCD. Last evaluated: 2022-10-18. Review status: criteria provided, single submitter. Criteria: Invitae Variant Classification Sherloc (09022015). Collection method: clinical testing. Allele origin: germline.
Comment: In summary, the available evidence is currently insufficient to determine the role of this variant in disease. Therefore, it has been classified as a Variant of Uncertain Significance. Algorithms developed to predict the effect of missense changes on protein structure and function (SIFT, PolyPhen-2, Align-GVGD) all suggest that this variant is likely to be tolerated. This variant has not been reported in the literature in individuals affected with PRKCD-related conditions. This variant is not present in population databases (gnomAD no frequency). This sequence change replaces isoleucine, which is neutral and non-polar, with leucine, which is neutral and non-polar, at codon 414 of the PRKCD protein (p.Ile414Leu).

NM_006254.4(PRKCD):c.1240A>C (p.Ile414Leu)

Gene: PRKCD (protein kinase C delta; plus strand). Cytogenetic location: 3p21.1.
Variant type: single nucleotide variant.
Coding change: c.1240A>C on transcript NM_006254.4 (MANE Select); coding-DNA position 1240, A replaced by C.
Protein change: p.Ile414Leu; replaces isoleucine 414 with leucine.
Molecular consequence: missense variant.
Genome position (GRCh38, 1-based): chr3:53,186,320, A>C. VCF-style: chr3-53186320-A-C. GRCh37 (hg19) VCF-style: chr3-53220336-A-C.
Other names: c.1240A>C, p.Ile414Leu (NM_001316327.2, NM_001354679.2, NM_001354680.2 and 1 more transcripts); c.1297A>C, p.Ile433Leu (NM_001354676.2); c.1288A>C, p.Ile430Leu (NM_001354678.2); short protein forms I430L, I414L, I433L.
Identifiers: ClinVar variation 1993319 (VCV001993319.4), dbSNP rs2471099399, ClinGen allele CA353222048.
Genomic context (GRCh38, chr3:53,186,320, plus strand): 5'-ACCATGGTTGAGAAGCGGGTGCTGACACTTGCCGCAGAGAATCCCTTTCTCACCCACCTC[A>C]TCTGCACCTTCCAGACCAAGGTGCCCGGGCCTCCTGCCGTCACCACCCCATGCCACAGCC-3'
Protein context (NP_006245.2, residues 404-424): AAENPFLTHL[Ile414Leu]CTFQTKDHLF